The following is an entry in ClinVar:

ClinVar aggregate classification (germline): Conflicting classifications of pathogenicity. Review status: criteria provided, conflicting classifications (1 of 4 stars). 2 submissions from 2 submitters: Uncertain significance (1); Likely benign (1). Last evaluated 2025-03-06.

Conditions:
Familial thoracic aortic aneurysm and aortic dissection (TAAD). Also called: Thoracic aortic aneurysms and dissections. Identifiers: Orphanet 91387, MedGen C4707243, MONDO:0019625.
Marfan syndrome (MFS). Also called: Marfan syndrome, classic; Marfan syndrome type 1; Marfan's syndrome; FBN1-Related Marfan Syndrome; MARFAN SYNDROME, TYPE I. Identifiers: Orphanet 284963, Orphanet 558, MedGen C0024796, MONDO:0007947, OMIM 154700.

Submissions (2):

Labcorp Genetics (formerly Invitae), Labcorp
Classification: Likely benign for Marfan syndrome; Familial thoracic aortic aneurysm and aortic dissection. Last evaluated: 2025-03-06. Review status: criteria provided, single submitter. Criteria: Invitae Variant Classification Sherloc (09022015). Collection method: clinical testing. Allele origin: germline.

Color Diagnostics, LLC DBA Color Health
Classification: Uncertain significance for Familial thoracic aortic aneurysm and aortic dissection. Last evaluated: 2019-09-30. Review status: criteria provided, single submitter. Criteria: ACMG Guidelines, 2015. Collection method: clinical testing. Allele origin: germline.
Comment: This variant causes a deletion of 1 nucleotide in intron 20 of the FBN1 gene. To our knowledge, functional studies have not been performed for this variant. This variant has not been reported in individuals affected with cardiovascular disorders in the literature. This variant has been identified in 2/250840 chromosomes in the general population by the Genome Aggregation Database (gnomAD). The available evidence is insufficient to determine the role of this variant in disease conclusively. Therefore, this variant is classified as a Variant of Uncertain Significance.

NM_000138.5(FBN1):c.2420-15del

Gene: FBN1 (fibrillin 1; minus strand). Cytogenetic location: 15q21.1.
Variant type: Deletion.
Coding change: c.2420-15del on transcript NM_000138.5 (MANE Select); 15 bases into the intron before coding-DNA position 2420, one base deleted (C; older notation c.2420-15delC).
Molecular consequence: intron variant.
Genome position (GRCh38, 1-based): chr15:48,495,603, G deleted on the plus strand (C on the coding strand, the reverse complement: FBN1 is on the minus strand); the first of 2 consecutive G bases (chr15:48,495,603-48,495,604); deleting either gives the same sequence. VCF-style (leftmost placement, unchanged base first): chr15-48495602-AG-A. GRCh37 (hg19) VCF-style: chr15-48787799-AG-A.
Identifiers: ClinVar variation 920628 (VCV000920628.4), dbSNP rs748642981, ClinGen allele CA047610.
Genomic context (GRCh38, chr15:48,495,602, plus strand): 5'-CTTGCAGACTCCATTAATGCAAGGACTTGATTCGCATTCATCAATGTCTGAAACAAAAAC[AG>A]GTCTACATTACTGCTAAAATCTAGTCTTGGGCCTAAAAGAGTACTTCAACTTTGACCCCA-3'